The following is an entry in ClinVar:

NM_178857.6(RP1L1):c.250C>T (p.Pro84Ser)

Gene: RP1L1 (RP1 like 1). Cytogenetic location: 8p23.1.
Variant type: single nucleotide variant.
Coding change: c.250C>T on transcript NM_178857.6 (MANE Select); coding-DNA position 250, C replaced by T.
Protein change: p.Pro84Ser; replaces proline 84 with serine.
Molecular consequence: missense variant.
Genome position (GRCh38, 1-based): chr8:10,622,952, G>A on the plus strand (C>T on the coding strand, the complement: RP1L1 is on the minus strand). VCF-style: chr8-10622952-G-A. GRCh37 (hg19) VCF-style: chr8-10480462-G-A.
Other names: short protein forms P84S.
Identifiers: ClinVar variation 3773674 (VCV003773674.3).

ClinVar aggregate classification (germline): Uncertain significance. Review status: criteria provided, multiple submitters, no conflicts (2 of 4 stars). 2 submissions from 2 submitters: Uncertain significance (2). Last evaluated 2025-03-04.

Conditions:
Occult macular dystrophy (OCMD). Also called: OMD; OCCULT MACULAR DYSTROPHY, SUSCEPTIBILITY TO. Identifiers: Orphanet 247834, MedGen C3150833, MONDO:0013316, OMIM 613587, HP:0030636.

gnomAD v4.1: 4 of 1,614,008 alleles (0.00025%); highest among the groups gnomAD compares: African/African-American, 0.0013%; no homozygotes.

Submissions (2):

Institute of Human Genetics, University of Leipzig Medical Center
Classification: Uncertain significance for Occult macular dystrophy. Last evaluated: 2025-03-04. Review status: criteria provided, single submitter. Criteria: ACMG Guidelines, 2015. Collection method: clinical testing. Allele origin: unknown. Inheritance: Autosomal dominant inheritance. Affected: yes.
Comment: Criteria applied: PM2_SUP,PP3

Blueprint Genetics
Classification: Uncertain significance. Last evaluated: 2020-01-22. Review status: criteria provided, single submitter. Criteria: ACMG Guidelines, 2015. Collection method: clinical testing. Allele origin: germline.